The following is an entry in ClinVar:

ClinVar aggregate classification (germline): Pathogenic (1 of 4 stars; one submission).

Conditions:
Muscular dystrophy-dystroglycanopathy (congenital with impaired intellectual development), type B, 14. Also called: Muscular dystrophy-dystroglycanopathy (congenital with intellectual disability), type B14; MUSCULAR DYSTROPHY, CONGENITAL, GMPPB-RELATED; Congenital muscular dystrophy-dystroglycanopathy with mental retardation, type B14. Identifiers: MedGen C3809221, MONDO:0014141, OMIM 615351.
Muscular dystrophy-dystroglycanopathy (congenital with brain and eye anomalies), type A14. Also called: WALKER-WARBURG SYNDROME OR MUSCLE-EYE-BRAIN DISEASE, GMPPB-RELATED; Muscular dystrophy-dystroglycanopathy (congenital with brain and eye anomalies), type a, 14; Congenital Muscular Dystrophy-Dystroglycanopathy with Brain and Eye Anomalies Type A 14; Congenital muscular dystrophy-dystroglycanopathy with brain and eye anomalies, type A14. Identifiers: Orphanet 588, MedGen C3809216, MONDO:0014140, OMIM 615350.
Autosomal recessive limb-girdle muscular dystrophy type 2T. Also called: MUSCULAR DYSTROPHY-DYSTROGLYCANOPATHY, LIMB-GIRDLE, GMPPB-RELATED; MUSCULAR DYSTROPHY, LIMB-GIRDLE, TYPE 2T; Muscular dystrophy-dystroglycanopathy (limb-girdle), type c, 14; Limb-girdle muscular dystrophy-dystroglycanopathy, type C14. Identifiers: Orphanet 363623, MedGen C4518000, MONDO:0014142, OMIM 615352.

Allele frequency attached by ClinVar (database versions not stated): gnomAD exomes below 0.00001; TOPMed below 0.00001; gnomAD 0.00001.

Submission:

Labcorp Genetics (formerly Invitae), Labcorp
Classification: Pathogenic for Autosomal recessive limb-girdle muscular dystrophy type 2T; Muscular dystrophy-dystroglycanopathy (congenital with brain and eye anomalies), type A14; Muscular dystrophy-dystroglycanopathy (congenital with impaired intellectual development), type B, 14. Last evaluated: 2023-12-28. Review status: criteria provided, single submitter. Criteria: Invitae Variant Classification Sherloc (09022015). Collection method: clinical testing. Allele origin: germline.
Comment: This sequence change creates a premature translational stop signal (p.Val325Serfs*4) in the GMPPB gene. While this is not anticipated to result in nonsense mediated decay, it is expected to disrupt the last 36 amino acid(s) of the GMPPB protein. The frequency data for this variant in the population databases is considered unreliable, as metrics indicate poor data quality at this position in the gnomAD database. This variant has not been reported in the literature in individuals affected with GMPPB-related conditions. ClinVar contains an entry for this variant (Variation ID: 2070938). This variant disrupts a region of the GMPPB protein in which other variant(s) (p.Arg357His) have been determined to be pathogenic (PMID: 28433477, 33756069). This suggests that this is a clinically significant region of the protein, and that variants that disrupt it are likely to be disease-causing. For these reasons, this variant has been classified as Pathogenic.

Literature cited by the submitters: PubMed 28433477; PubMed 33756069.

NM_021971.4(GMPPB):c.972dup (p.Val325fs)

Gene: GMPPB (GDP-mannose pyrophosphorylase B; minus strand). Cytogenetic location: 3p21.31.
Variant type: Duplication.
Coding change: c.972dup on transcript NM_021971.4 (MANE Select); coding-DNA position 972, one base duplicated (A; older notation c.972dupA).
Protein change: p.Val325fs; shifts the reading frame from valine 325.
Molecular consequence: frameshift variant.
Genome position (GRCh38, 1-based): chr3:49,721,863, T duplicated on the plus strand (A on the coding strand, the reverse complement: GMPPB is on the minus strand). VCF-style (leftmost placement, unchanged base first): chr3-49721862-C-CT. GRCh37 (hg19) VCF-style: chr3-49759295-C-CT.
Other names: c.1053dup, p.Val352fs (NM_013334.4); short protein forms V325fs, V352fs.
Identifiers: ClinVar variation 2070938 (VCV002070938.4), dbSNP rs1283105162, ClinGen allele CA543050842.